The following is an entry in ClinVar:

ClinVar aggregate classification (germline): Uncertain significance. Review status: criteria provided, multiple submitters, no conflicts (2 of 4 stars). 3 submissions from 3 submitters: Uncertain significance (3). Last evaluated 2023-06-26.

Conditions:
Cardiovascular phenotype. Identifiers: MedGen CN230736.
Cardiomyopathy (CMYO). Also called: Cardiomyopathies. Identifiers: Orphanet 167848, MedGen C0878544, MONDO:0004994, HP:0001638. Inheritance: Various modes of inheritance.
Arrhythmogenic cardiomyopathy with wooly hair and keratoderma. Also called: Arrhythmogenic cardiomyopathy with woolly hair and keratoderma; PALMOPLANTAR KERATODERMA WITH LEFT VENTRICULAR CARDIOMYOPATHY AND WOOLLY HAIR; Carvajal syndrome; Dilated cardiomyopathy with woolly hair and keratoderma. Identifiers: Orphanet 65282, MedGen C1854063, MONDO:0011581, OMIM 605676.

gnomAD v4.1: 1 of 1,613,830 alleles (0.000062%); highest among the groups gnomAD compares: Non-Finnish European, 0.000085%; no homozygotes.

Submissions (3):

All of Us Research Program, National Institutes of Health
Classification: Uncertain significance for Arrhythmogenic cardiomyopathy with wooly hair and keratoderma. Last evaluated: 2023-06-26. Review status: criteria provided, single submitter. Criteria: ACMG Guidelines, 2015. Collection method: clinical testing. Allele origin: germline. Inheritance: Autosomal dominant inheritance. Observed: 1 variant allele, 1 heterozygote.
Comment: This missense variant replaces glycine with arginine at codon 1102 of the DSP protein. Computational prediction suggests that this variant may not impact protein structure and function (internally defined REVEL score threshold <= 0.5, PMID: 27666373). To our knowledge, functional studies have not been reported for this variant. This variant has not been reported in individuals affected with DSP-related disorders in the literature. This variant has not been identified in the general population by the Genome Aggregation Database (gnomAD). The available evidence is insufficient to determine the role of this variant in disease conclusively. Therefore, this variant is classified as a Variant of Uncertain Significance.

This study involves interpretation of variants in research participants for the purpose of population health screening. Participant phenotype was not available at the time of variant classification. Additional details can be found in publication PMID: 35346344, PMCID: PMC8962531

Color Diagnostics, LLC DBA Color Health
Classification: Uncertain significance for Cardiomyopathy. Last evaluated: 2023-02-27. Review status: criteria provided, single submitter. Criteria: ACMG Guidelines, 2015. Collection method: clinical testing. Allele origin: germline.
Comment: This missense variant replaces glycine with arginine at codon 1102 of the DSP protein. Computational prediction suggests that this variant may not impact protein structure and function (internally defined REVEL score threshold <= 0.5, PMID: 27666373). To our knowledge, functional studies have not been reported for this variant. This variant has not been reported in individuals affected with DSP-related disorders in the literature. This variant has not been identified in the general population by the Genome Aggregation Database (gnomAD). The available evidence is insufficient to determine the role of this variant in disease conclusively. Therefore, this variant is classified as a Variant of Uncertain Significance.

Ambry Genetics
Classification: Uncertain significance for Cardiovascular phenotype. Last evaluated: 2019-04-26. Review status: criteria provided, single submitter. Criteria: Ambry Variant Classification Scheme 2023. Collection method: clinical testing. Allele origin: germline.
Comment: The p.G1102R variant (also known as c.3304G>C), located in coding exon 23 of the DSP gene, results from a G to C substitution at nucleotide position 3304. The glycine at codon 1102 is replaced by arginine, an amino acid with dissimilar properties. This amino acid position is not well conserved in available vertebrate species. In addition, this alteration is predicted to be tolerated by in silico analysis. Since supporting evidence is limited at this time, the clinical significance of this alteration remains unclear.

NM_004415.4(DSP):c.3304G>C (p.Gly1102Arg)

Gene: DSP (desmoplakin; plus strand). Cytogenetic location: 6p24.3.
Variant type: single nucleotide variant.
Coding change: c.3304G>C on transcript NM_004415.4 (MANE Select); coding-DNA position 3304, G replaced by C.
Protein change: p.Gly1102Arg; replaces glycine 1102 with arginine.
Molecular consequence: missense variant.
Genome position (GRCh38, 1-based): chr6:7,579,494, G>C. VCF-style: chr6-7579494-G-C. GRCh37 (hg19) VCF-style: chr6-7579727-G-C.
Other names: c.3304G>C, p.Gly1102Arg (NM_001008844.3, NM_001319034.2); short protein forms G1102R.
Identifiers: ClinVar variation 1730014 (VCV001730014.5), dbSNP rs2491079, ClinGen allele CA133968270.